The following is an entry in ClinVar:

ClinVar aggregate classification (germline): Uncertain significance (1 of 4 stars; one submission).

Conditions:
Cardiovascular phenotype. Identifiers: MedGen CN230736.

Submission:

Ambry Genetics
Classification: Uncertain significance for Cardiovascular phenotype. Last evaluated: 2022-10-27. Review status: criteria provided, single submitter. Criteria: Ambry Variant Classification Scheme 2023. Collection method: clinical testing. Allele origin: germline.
Comment: The p.M785V variant (also known as c.2353A>G), located in coding exon 19 of the ACTN2 gene, results from an A to G substitution at nucleotide position 2353. The methionine at codon 785 is replaced by valine, an amino acid with highly similar properties. This amino acid position is conserved. In addition, the in silico prediction for this alteration is inconclusive. Since supporting evidence is limited at this time, the clinical significance of this alteration remains unclear.

NM_001103.4(ACTN2):c.2353A>G (p.Met785Val)

Gene: ACTN2 (actinin alpha 2; plus strand). Cytogenetic location: 1q43.
Variant type: single nucleotide variant.
Coding change: c.2353A>G on transcript NM_001103.4 (MANE Select); coding-DNA position 2353, A replaced by G.
Protein change: p.Met785Val; replaces methionine 785 with valine.
Molecular consequence: missense variant.
Genome position (GRCh38, 1-based): chr1:236,759,775, A>G. VCF-style: chr1-236759775-A-G. GRCh37 (hg19) VCF-style: chr1-236923075-A-G.
Other names: c.2353A>G, p.Met785Val (NM_001278343.2); c.1729A>G, p.Met577Val (NM_001278344.2); c.1603A>G, p.Met535Val (NM_001412150.1); short protein forms M785V, M535V, M577V.
Identifiers: ClinVar variation 1790044 (VCV001790044.2), dbSNP rs2527660279, ClinGen allele CA345390328.